The following is an entry in ClinVar:

ClinVar aggregate classification (germline): Pathogenic (1 of 4 stars; one submission).

gnomAD v4.1: 2 of 1,613,784 alleles (0.00012%); highest among the groups gnomAD compares: Admixed American, 0.0017%; no homozygotes.

Submission:

Labcorp Genetics (formerly Invitae), Labcorp
Classification: Pathogenic. Last evaluated: 2024-05-14. Review status: criteria provided, single submitter. Criteria: Invitae Variant Classification Sherloc (09022015). Collection method: clinical testing. Allele origin: germline.
Comment: This sequence change creates a premature translational stop signal (p.Glu65*) in the TCTEX1D2 gene. It is expected to result in an absent or disrupted protein product. Loss-of-function variants in TCTEX1D2 are known to be pathogenic (PMID: 26044572). This variant is present in population databases (rs139538330, gnomAD 0.003%). This variant has not been reported in the literature in individuals affected with TCTEX1D2-related conditions. Algorithms developed to predict the effect of sequence changes on RNA splicing suggest that this variant may disrupt the consensus splice site. For these reasons, this variant has been classified as Pathogenic.

Literature cited by the submitters: PubMed 26044572.

NM_152773.5(DYNLT2B):c.193G>T (p.Glu65Ter)

Genes: DYNLT2B (dynein light chain Tctex-type 2B; minus strand), TM4SF19-DYNLT2B (TM4SF19-DYNLT2B readthrough (NMD candidate); minus strand). Cytogenetic location: 3q29.
Variant type: single nucleotide variant.
Coding change: c.193G>T on transcript NM_152773.5 (MANE Select); coding-DNA position 193, G replaced by T.
Protein change: p.Glu65Ter; replaces glutamic acid 65 with a stop codon.
Molecular consequence: nonsense. On other transcripts: non-coding transcript variant (1).
Genome position (GRCh38, 1-based): chr3:196,316,152, C>A on the plus strand (G>T on the coding strand, the complement: DYNLT2B is on the minus strand). VCF-style: chr3-196316152-C-A. GRCh37 (hg19) VCF-style: chr3-196043023-C-A.
Other names: c.193G>T, p.Glu65Ter (NM_001351628.2); short protein forms E65*.
Identifiers: ClinVar variation 3660585 (VCV003660585.2).